The following is an entry in ClinVar:

ClinVar aggregate classification (germline): Uncertain significance. Review status: criteria provided, multiple submitters, no conflicts (2 of 4 stars). 2 submissions from 2 submitters: Uncertain significance (2). Last evaluated 2025-07-21.

Conditions:
Autosomal dominant hypocalcemia 1 (HYPOC1). Also called: HYPOCALCEMIA, FAMILIAL. Identifiers: MedGen C3715128, MONDO:0011013, OMIM 601198.
Familial hypocalciuric hypercalcemia (FHH). Also called: Familial benign hypercalcemia. Identifiers: Orphanet 405, MedGen C1809471, MONDO:0018458.
Nephrolithiasis/nephrocalcinosis. Identifiers: MedGen CN580796.

Allele frequency attached by ClinVar (database versions not stated): gnomAD exomes below 0.00001; gnomAD 0.00001; TOPMed 0.00001.

Submissions (2):

Labcorp Genetics (formerly Invitae), Labcorp
Classification: Uncertain significance for Familial hypocalciuric hypercalcemia; Autosomal dominant hypocalcemia 1. Last evaluated: 2025-07-21. Review status: criteria provided, single submitter. Criteria: Invitae Variant Classification Sherloc (09022015). Collection method: clinical testing. Allele origin: germline.
Comment: This sequence change replaces threonine, which is neutral and polar, with alanine, which is neutral and non-polar, at codon 712 of the CASR protein (p.Thr712Ala). This variant is present in population databases (no rsID available, gnomAD 0.007%). This variant has not been reported in the literature in individuals affected with CASR-related conditions. ClinVar contains an entry for this variant (Variation ID: 410323). An algorithm developed to predict the effect of missense changes on protein structure and function (PolyPhen-2) suggests that this variant is likely to be disruptive. In summary, the available evidence is currently insufficient to determine the role of this variant in disease. Therefore, it has been classified as a Variant of Uncertain Significance.

Ambry Genetics
Classification: Uncertain significance for Nephrolithiasis/nephrocalcinosis. Last evaluated: 2022-05-30. Review status: criteria provided, single submitter. Criteria: Ambry Variant Classification Scheme 2023. Collection method: clinical testing. Allele origin: germline.
Comment: The p.T712A variant (also known as c.2134A>G), located in coding exon 6 of the CASR gene, results from an A to G substitution at nucleotide position 2134. The threonine at codon 712 is replaced by alanine, an amino acid with similar properties. This amino acid position is conserved. In addition, the in silico prediction for this alteration is inconclusive. Since supporting evidence is limited at this time, the clinical significance of this alteration remains unclear.

NM_000388.4(CASR):c.2134A>G (p.Thr712Ala)

Gene: CASR (calcium sensing receptor; plus strand). Cytogenetic location: 3q21.1.
Variant type: single nucleotide variant.
Coding change: c.2134A>G on transcript NM_000388.4 (MANE Select); coding-DNA position 2134, A replaced by G.
Protein change: p.Thr712Ala; replaces threonine 712 with alanine.
Molecular consequence: missense variant.
Genome position (GRCh38, 1-based): chr3:122,284,088, A>G. VCF-style: chr3-122284088-A-G. GRCh37 (hg19) VCF-style: chr3-122002935-A-G.
Other names: c.2164A>G, p.Thr722Ala (NM_001178065.2); short protein forms T712A, T722A.
Identifiers: ClinVar variation 410323 (VCV000410323.13), dbSNP rs1060502844, ClinGen allele CA16611123.
Genomic context (GRCh38, chr3:122,284,088, plus strand): 5'-ATCTCATGCATCCTGGTGAAAACCAACCGTGTCCTCCTGGTGTTTGAGGCCAAGATCCCC[A>G]CCAGCTTCCACCGCAAGTGGTGGGGGCTCAACCTGCAGTTCCTGCTGGTTTTCCTCTGCA-3'
Protein context (NP_000379.3, residues 702-722): VLLVFEAKIP[Thr712Ala]SFHRKWWGLN